The following is an entry in ClinVar:

NM_182931.3(KMT2E):c.997del (p.Glu333fs)

Gene: KMT2E (lysine methyltransferase 2E (inactive); plus strand). Cytogenetic location: 7q22.3.
Variant type: Deletion.
Coding change: c.997del on transcript NM_182931.3 (MANE Select); coding-DNA position 997, one base deleted (G; older notation c.997delG).
Protein change: p.Glu333fs; shifts the reading frame from glutamic acid 333.
Molecular consequence: frameshift variant.
Genome position (GRCh38, 1-based): chr7:105,077,191, G deleted. VCF-style (leftmost placement, unchanged base first): chr7-105077190-AG-A. GRCh37 (hg19) VCF-style: chr7-104717637-AG-A.
Other names: c.997del, p.Glu333fs (NM_018682.4); short protein forms E333fs.
Identifiers: ClinVar variation 805900 (VCV000805900.2), dbSNP rs1584765943, ClinGen allele CA913184792.

ClinVar aggregate classification (germline): Uncertain significance (1 of 4 stars; one submission).

Submission:

Broad Center for Mendelian Genomics, Broad Institute of MIT and Harvard
Classification: Uncertain significance. Last evaluated: 2019-02-07. Review status: criteria provided, single submitter. Criteria: ACMG Guidelines, 2015. Collection method: research. Allele origin: de novo. Inheritance: Autosomal dominant inheritance. Affected: yes.
Comment: The p.Glu333Argfs*32 variant in KMT2E has not been previously reported in individuals with developmental delay and was absent from large population studies. This variant is predicted to cause a frameshift, which alters the proteinâ€™s amino acid sequence beginning at position 333 and leads to a premature termination codon 32 amino acids downstream. This alteration is then predicted to lead to a truncated or absent protein. It is of note, that loss of function of the KMT2E gene in autosomal dominant disease has not yet been established based on the criteria laid out in Tayoun, 2018 (PMID: 30192042). This alteration is then predicted to lead to a truncated or absent protein. In summary, while there is some suspicion for a pathogenic role, the clinical significance of this variant is uncertain.